The following is an entry in ClinVar:

NM_000061.3(BTK):c.720A>C (p.Glu240Asp)

Gene: BTK (Bruton tyrosine kinase; minus strand). Cytogenetic location: Xq22.1.
Variant type: single nucleotide variant.
Coding change: c.720A>C on transcript NM_000061.3 (MANE Select); coding-DNA position 720, A replaced by C.
Protein change: p.Glu240Asp; replaces glutamic acid 240 with aspartic acid.
Molecular consequence: missense variant.
Genome position (GRCh38, 1-based): chrX:101,360,624, T>G on the plus strand (A>C on the coding strand, the complement: BTK is on the minus strand). VCF-style: chrX-101360624-T-G. GRCh37 (hg19) VCF-style: chrX-100615612-T-G.
Other names: c.822A>C, p.Glu274Asp (NM_001287344.2); c.720A>C, p.Glu240Asp (NM_001287345.2); short protein forms E240D, E274D.
Identifiers: ClinVar variation 461818 (VCV000461818.13), dbSNP rs141590686, ClinGen allele CA10473130.

ClinVar aggregate classification (germline): Uncertain significance. Review status: criteria provided, multiple submitters, no conflicts (2 of 4 stars). 3 submissions from 3 submitters: Uncertain significance (3). Last evaluated 2024-12-17.

Conditions:
BTK-related disorder. Also called: BTK-related condition.
X-linked agammaglobulinemia (XLA). Also called: IMMUNODEFICIENCY 1; Agammaglobulinemia, Bruton tyrosine kinase; Agammaglobulinemia, BTK; BTK-deficiency; Bruton-type agammaglobulinemia; Bruton's agammaglobulinemia. Identifiers: Orphanet 229717, Orphanet 47, MedGen C0221026, MONDO:0010421, OMIM 300755.
X-linked agammaglobulinemia with growth hormone deficiency (IGHD3). Also called: FLEISHER SYNDROME; HYPOGAMMAGLOBULINEMIA AND ISOLATED GROWTH HORMONE DEFICIENCY, X-LINKED; IGHD III; AGAMMAGLOBULINEMIA AND ISOLATED GROWTH HORMONE DEFICIENCY, X-LINKED; Isolated growth hormone deficiency type 3; Growth hormone deficiency with hypogammaglobulinemia. Identifiers: Orphanet 231692, Orphanet 631, MedGen C0472813, MONDO:0010615, OMIM 307200.

Allele frequency attached by ClinVar (database versions not stated): gnomAD 0.00005 and 0.00006; gnomAD exomes 0.00006; TOPMed 0.00006; ExAC 0.00008; ESP Exome Variant Server 0.00038.
gnomAD v4.1: 68 of 1,210,003 alleles (0.0056%); highest among the groups gnomAD compares: Non-Finnish European, 0.0064%; no homozygotes.

Submissions (3):

Labcorp Genetics (formerly Invitae), Labcorp
Classification: Uncertain significance for X-linked agammaglobulinemia with growth hormone deficiency. Last evaluated: 2024-12-17. Review status: criteria provided, single submitter. Criteria: Invitae Variant Classification Sherloc (09022015). Collection method: clinical testing. Allele origin: germline.
Comment: This sequence change replaces glutamic acid, which is acidic and polar, with aspartic acid, which is acidic and polar, at codon 240 of the BTK protein (p.Glu240Asp). This variant is present in population databases (rs141590686, gnomAD 0.009%), including at least one homozygous and/or hemizygous individual. This variant has not been reported in the literature in individuals affected with BTK-related conditions. ClinVar contains an entry for this variant (Variation ID: 461818). Invitae Evidence Modeling of protein sequence and biophysical properties (such as structural, functional, and spatial information, amino acid conservation, physicochemical variation, residue mobility, and thermodynamic stability) indicates that this missense variant is expected to disrupt BTK protein function with a positive predictive value of 95%. In summary, the available evidence is currently insufficient to determine the role of this variant in disease. Therefore, it has been classified as a Variant of Uncertain Significance.

PreventionGenetics, part of Exact Sciences
Classification: Uncertain significance for BTK-related condition. Last evaluated: 2022-10-12. Review status: criteria provided, single submitter. Criteria: ACMG Guidelines, 2015. Collection method: clinical testing. Allele origin: germline.
Comment: The BTK c.720A>C variant is predicted to result in the amino acid substitution p.Glu240Asp. This variant has been reported in an individual with X-linked agammaglobulinemia, however there was no conclusion regarding pathogenicity of this variant (Abbott et al. 2013. PubMed ID: 24001798). This variant is reported in 0.011% of alleles in individuals of African descent in gnomAD, including two hemizygous individuals. While this variant may be benign, at this time, the clinical significance of this variant is uncertain due to the absence of conclusive functional and genetic evidence.

Victorian Clinical Genetics Services, Murdoch Childrens Research Institute
Classification: Uncertain significance for X-linked agammaglobulinemia. Last evaluated: 2020-05-26. Review status: criteria provided, single submitter. Criteria: ACMG Guidelines, 2015. Collection method: clinical testing. Allele origin: germline. Inheritance: X-linked inheritance.
Comment: Based on the classification scheme VCGS_Germline_v1.1.1, this variant is classified as 3B-VUS. Following criteria are met: 0102 - Loss-of-function is a known mechanism of disease for this gene. (N) 0109 - This gene is known to be associated with X-linked recessive disease. (N) 0200 - Variant is predicted to result in a missense amino acid change from a glutamic acid to an aspartic acid (exon 8). (N) 0253 - Variant is hemizygous. (N) 0304 - Variant is present in gnomAD <0.01 for a recessive condition (10 heterozygotes, 0 homozygotes, 2 hemizygotes). (P) 0502 - Missense variant with conflicting in silico predictions and uninformative conservation. (N) 0603 - Missense variant in a region that is highly intolerant to missense variation (high constraint region) (SH3 domain; PMID: 24001798, NCBI, Decipher, PDB). (P) 0705 - No comparable variants have previous evidence for pathogenicity. (N) 0808 - Previous reports of pathogenicity are inconclusive. This variant has been previously reported as VUS (ClinVar). In addition, it has been reported in a patient with X-linked agammaglobulinemia, however, there was no conclusion regarding pathogenicity. (N) 0905 - No segregation evidence has been identified for this variant. (N) 1007 - No published functional evidence has been identified for this variant. (N) 1208 - Inheritance information for this variant is not currently available. (N) Legend: (P) - Pathogenic, (N) - Neutral, (B) - Benign

Literature cited by the submitters: PubMed 24001798 (cited by Victorian Clinical Genetics Services, Murdoch Childrens Research Institute).